The following is an entry in ClinVar:

NM_000157.4(GBA1):c.599T>A (p.Ile200Asn)

Genes: GBA1 (glucosylceramidase beta 1; minus strand), LOC106627981 (GBA recombination region; plus strand). Cytogenetic location: 1q22.
Variant type: single nucleotide variant.
Coding change: c.599T>A on transcript NM_000157.4 (MANE Select); coding-DNA position 599, T replaced by A.
Protein change: p.Ile200Asn; replaces isoleucine 200 with asparagine.
Molecular consequence: missense variant.
Genome position (GRCh38, 1-based): chr1:155,238,296, A>T on the plus strand (T>A on the coding strand, the complement: GBA1 is on the minus strand). VCF-style: chr1-155238296-A-T. GRCh37 (hg19) VCF-style: chr1-155208087-A-T.
Other names: c.599T>A, p.Ile200Asn (NM_001005741.3, NM_001005742.3); c.338T>A, p.Ile113Asn (NM_001171811.2); c.452T>A, p.Ile151Asn (NM_001171812.2); c.599T>A (NM_000157.3); short protein forms I200N, I113N, I151N.
Identifiers: ClinVar variation 593014 (VCV000593014.7), dbSNP rs77933015, ClinGen allele CA30895601.

ClinVar aggregate classification (germline): Conflicting classifications of pathogenicity. Review status: criteria provided, conflicting classifications (1 of 4 stars). 3 submissions from 3 submitters: Likely pathogenic (2); Uncertain significance (1). Last evaluated 2026-04-23.

Conditions:
Gaucher disease. Also called: Acute cerebral Gaucher disease; Cerebroside lipidosis syndrome; Gaucher splenomegaly; Sphingolipidosis 1; Glucocerebrosidosis; Glucosylceramidase deficiency. Identifiers: Orphanet 355, MedGen C0017205, MONDO:0018150.

Submissions (3):

Women's Health and Genetics/Laboratory Corporation of America, LabCorp
Classification: Likely pathogenic for Gaucher disease. Last evaluated: 2026-04-23. Review status: criteria provided, single submitter. Criteria: LabCorp Variant Classification Summary - May 2015. Collection method: clinical testing. Allele origin: germline.
Comment: Variant summary: GBA1 c.599T>A (p.Ile200Asn) results in a non-conservative amino acid change in the encoded protein sequence. Algorithms developed to predict the effect of missense changes on protein structure and function all suggest that this variant is likely to be disruptive. The frequency of this variant in the general population could not be determined as the technology used for large population databases (ExAC, gnomAD, ESP, 1000G) cannot detect variants of this type. c.599T>A has been observed as a compound heterozygous genotype in an individual affected with Gaucher Disease (Drelichman_2021), as well as heterozygous in individuals affected with Parkinson Disease (Goker-Alpan_2006, Petrucci_2020, DiFonzo_2023, Gagliardi_2025). These data indicate that the variant may be associated with disease. At least one publication reports experimental evidence evaluating an impact on protein function (Liou_2006). The most pronounced variant effect results in <10% of normal activity. The following publications have been ascertained in the context of this evaluation (PMID: 37750340, 34820281, 40848607, 16790605, 16293621, 32658388). ClinVar contains an entry for this variant (Variation ID: 593014). Based on the evidence outlined above, the variant was classified as likely pathogenic.

Natera, Inc.
Classification: Likely pathogenic for Gaucher disease. Last evaluated: 2025-10-06. Review status: criteria provided, single submitter. Criteria: Natera Variant Classification Schema (03/2026). Collection method: clinical testing. Allele origin: germline.
Comment: The c.599T>A variant in GBA1 is a missense variant predicted to cause substitution of isoleucine to asparagine at amino acid 200. This variant is rare in the general population with a frequency below the threshold expected for the associated phenotype(s). This variant has been observed in one or more individuals affected with the associated recessive disease, as either homozygous or compound heterozygous with a second variant (PMID: 34820281). This variant has been identified in one or more affected individual with a phenotype highly consistent with the associated gene (PMID: 34820281). Computational prediction algorithms indicate this variant is likely to affect gene or protein function. Given the available evidence, this variant is classified as Likely Pathogenic.

Eurofins Ntd Llc (ga)
Classification: Uncertain significance. Last evaluated: 2017-07-13. Review status: criteria provided, single submitter. Criteria: EGL Classification Definitions 2015. Collection method: clinical testing. Allele origin: germline. Observed: 1 variant allele, 1 heterozygote.

Literature cited by the submitters: PubMed 16293621 (cited by Women's Health and Genetics/Laboratory Corporation of America, LabCorp); PubMed 32658388 (cited by Women's Health and Genetics/Laboratory Corporation of America, LabCorp); PubMed 37750340 (cited by Women's Health and Genetics/Laboratory Corporation of America, LabCorp); PubMed 34820281 (cited by Women's Health and Genetics/Laboratory Corporation of America, LabCorp and Natera, Inc.); PubMed 40848607 (cited by Women's Health and Genetics/Laboratory Corporation of America, LabCorp); PubMed 16790605 (cited by Women's Health and Genetics/Laboratory Corporation of America, LabCorp).